The following is an entry in ClinVar:

ClinVar aggregate classification (germline): Uncertain significance (1 of 4 stars; one submission).

Conditions:
Hereditary cancer-predisposing syndrome. Also called: Neoplastic Syndromes, Hereditary; Tumor predisposition; Hereditary Cancer Syndrome; Hereditary neoplastic syndrome. Identifiers: Orphanet 140162, MedGen C0027672, MeSH D009386, MONDO:0015356.

Submission:

Ambry Genetics
Classification: Uncertain significance for Hereditary cancer-predisposing syndrome. Last evaluated: 2022-08-07. Review status: criteria provided, single submitter. Criteria: Ambry Variant Classification Scheme 2023. Collection method: clinical testing. Allele origin: germline.
Comment: The p.D600H variant (also known as c.1798G>C), located in coding exon 10 of the DICER1 gene, results from a G to C substitution at nucleotide position 1798. The aspartic acid at codon 600 is replaced by histidine, an amino acid with similar properties. This amino acid position is not well conserved in available vertebrate species. In addition, this alteration is predicted to be tolerated by in silico analysis. Since supporting evidence is limited at this time, the clinical significance of this alteration remains unclear.

NM_177438.3(DICER1):c.1798G>C (p.Asp600His)

Gene: DICER1 (dicer 1, ribonuclease III; minus strand). Cytogenetic location: 14q32.13.
Variant type: single nucleotide variant.
Coding change: c.1798G>C on transcript NM_177438.3 (MANE Select); coding-DNA position 1798, G replaced by C.
Protein change: p.Asp600His; replaces aspartic acid 600 with histidine.
Molecular consequence: missense variant.
Genome position (GRCh38, 1-based): chr14:95,115,776, C>G on the plus strand (G>C on the coding strand, the complement: DICER1 is on the minus strand). VCF-style: chr14-95115776-C-G. GRCh37 (hg19) VCF-style: chr14-95582113-C-G.
Other names: c.1798G>C, p.Asp600His (NM_001195573.1, NM_001271282.3, NM_001291628.2 and 1 more transcripts); short protein forms D600H.
Identifiers: ClinVar variation 820096 (VCV000820096.4), dbSNP rs1595406806, ClinGen allele CA390884111.